The following is an entry in ClinVar:

NM_022124.6(CDH23):c.4988A>G (p.Asp1663Gly)

Gene: CDH23 (cadherin related 23; plus strand). Cytogenetic location: 10q22.1.
Variant type: single nucleotide variant.
Coding change: c.4988A>G on transcript NM_022124.6 (MANE Select); coding-DNA position 4988, A replaced by G.
Protein change: p.Asp1663Gly; replaces aspartic acid 1663 with glycine.
Molecular consequence: missense variant.
Genome position (GRCh38, 1-based): chr10:71,777,822, A>G. VCF-style: chr10-71777822-A-G. GRCh37 (hg19) VCF-style: chr10-73537579-A-G.
Other names: c.4988A>G (NM_022124.5); short protein forms D1663G.
Identifiers: ClinVar variation 1399191 (VCV001399191.6), dbSNP rs747087196, ClinGen allele CA5545598.

ClinVar aggregate classification (germline): Uncertain significance. Review status: criteria provided, multiple submitters, no conflicts (2 of 4 stars). 4 submissions from 4 submitters: Uncertain significance (4). Last evaluated 2024-12-06.

Conditions:
CDH23-related disorder. Also called: CDH23-related condition; CDH23-related disorders.

Allele frequency attached by ClinVar (database versions not stated): ExAC 0.00001; gnomAD exomes 0.00001 and 0.00002; TOPMed 0.00001.

Submissions (4):

PreventionGenetics, part of Exact Sciences
Classification: Uncertain significance for CDH23-related condition. Last evaluated: 2024-12-06. Review status: criteria provided, single submitter. Criteria: ACMG Guidelines, 2015. Collection method: clinical testing. Allele origin: germline.
Comment: The CDH23 c.4988A>G variant is predicted to result in the amino acid substitution p.Asp1663Gly. To our knowledge, this variant has not been reported in the literature. Another alteration at this same amino acid position (p.Asp1663Val) has been observed in individuals with CDH23-related conditions (Lu et al. 2014. PubMed ID: 25231367). This variant is reported in 0.012% of alleles in individuals of Latino descent in gnomAD and is interpreted as uncertain in ClinVar. At this time, the clinical significance of this variant is uncertain due to the absence of conclusive functional and genetic evidence.

GeneDx
Classification: Uncertain significance. Last evaluated: 2024-07-12. Review status: criteria provided, single submitter. Criteria: GeneDx Variant Classification Process June 2021. Collection method: clinical testing. Allele origin: germline.
Comment: In silico analysis supports that this missense variant has a deleterious effect on protein structure/function; Has not been previously published as pathogenic or benign to our knowledge; In silico analysis suggests this variant may impact gene splicing. In the absence of RNA/functional studies, the actual effect of this sequence change is unknown.

Labcorp Genetics (formerly Invitae), Labcorp
Classification: Uncertain significance. Last evaluated: 2022-07-12. Review status: criteria provided, single submitter. Criteria: Invitae Variant Classification Sherloc (09022015). Collection method: clinical testing. Allele origin: germline.
Comment: This sequence change replaces aspartic acid, which is acidic and polar, with glycine, which is neutral and non-polar, at codon 1663 of the CDH23 protein (p.Asp1663Gly). This variant is present in population databases (rs747087196, gnomAD 0.01%). This missense change has been observed in individual(s) with congenital deafness (Invitae). ClinVar contains an entry for this variant (Variation ID: 1399191). Algorithms developed to predict the effect of missense changes on protein structure and function are either unavailable or do not agree on the potential impact of this missense change (SIFT: "Deleterious"; PolyPhen-2: "Not Available"; Align-GVGD: "Class C65"). Algorithms developed to predict the effect of sequence changes on RNA splicing suggest that this variant may create or strengthen a splice site. This variant disrupts the p.Asp1663 amino acid residue in CDH23. Other variant(s) that disrupt this residue have been observed in individuals with CDH23-related conditions (PMID: 25231367), which suggests that this may be a clinically significant amino acid residue. In summary, the available evidence is currently insufficient to determine the role of this variant in disease. Therefore, it has been classified as a Variant of Uncertain Significance.

Blueprint Genetics
Classification: Uncertain significance. Last evaluated: 2019-09-23. Review status: criteria provided, single submitter. Criteria: ACMG Guidelines, 2015. Collection method: clinical testing. Allele origin: germline.

Literature cited by the submitters: PubMed 25231367 (cited by Labcorp Genetics (formerly Invitae), Labcorp).